The following is an entry in ClinVar:

NM_004595.5(SMS):c.381C>T (p.Ala127=)

Gene: SMS (spermine synthase; plus strand). Cytogenetic location: Xp22.11.
Variant type: single nucleotide variant.
Coding change: c.381C>T on transcript NM_004595.5 (MANE Select); coding-DNA position 381, C replaced by T.
Protein change: p.Ala127=; no amino-acid change (alanine 127 retained).
Molecular consequence: synonymous variant.
Genome position (GRCh38, 1-based): chrX:21,977,112, C>T. VCF-style: chrX-21977112-C-T. GRCh37 (hg19) VCF-style: chrX-21995230-C-T.
Other names: c.222C>T, p.Ala74= (NM_001258423.2).
Identifiers: ClinVar variation 2660158 (VCV002660158.25), dbSNP rs764152466, ClinGen allele CA10367788.
Genomic context (GRCh38, chrX:21,977,112, plus strand): 5'-TTTTTCCAGATTACCACCCATAGTGCGAGGAGGAGCCATCGACAGATACTGGCCCACCGC[C>T]GACGGGCGCCTGGTTGAATATGACATAGATGAAGTGGTATATGACGAAGATTCACCTTAT-3'
Protein context (NP_004586.2, residues 117-137): GGAIDRYWPT[Ala127=]DGRLVEYDID

ClinVar aggregate classification (germline): Likely benign. Review status: criteria provided, multiple submitters, no conflicts (2 of 4 stars). 2 submissions from 2 submitters: Likely benign (2). Last evaluated 2022-10-24.

Allele frequency attached by ClinVar (database versions not stated): TOPMed below 0.00001; gnomAD exomes 0.00001; ExAC 0.00002.
gnomAD v4.1: 14 of 1,208,602 alleles (0.0012%); highest among the groups gnomAD compares: Admixed American, 0.0022%; no homozygotes.

Submissions (2):

Blueprint Genetics
Classification: Likely benign. Last evaluated: 2022-10-24. Review status: criteria provided, single submitter. Criteria: ACMG Guidelines, 2015. Collection method: clinical testing. Allele origin: germline.

CeGaT Center for Human Genetics Tuebingen
Classification: Likely benign. Last evaluated: 2022-08-01. Review status: criteria provided, single submitter. Criteria: CeGaT Center For Human Genetics Tuebingen Variant Classification Criteria Version 2. Collection method: clinical testing. Allele origin: germline. Affected: yes. Observed: 1 variant allele.
Comment: SMS: BP4, BP7